The following is an entry in ClinVar:

NM_020680.4(SCYL1):c.1386C>T (p.Ser462=)

Gene: SCYL1 (SCY1 like pseudokinase 1; plus strand). Cytogenetic location: 11q13.1.
Variant type: single nucleotide variant.
Coding change: c.1386C>T on transcript NM_020680.4 (MANE Select); coding-DNA position 1386, C replaced by T.
Protein change: p.Ser462=; no amino-acid change (serine 462 retained).
Molecular consequence: synonymous variant.
Genome position (GRCh38, 1-based): chr11:65,535,382, C>T. VCF-style: chr11-65535382-C-T. GRCh37 (hg19) VCF-style: chr11-65302853-C-T.
Other names: c.1386C>T, p.Ser462= (NM_001048218.2, NM_001411022.1).
Identifiers: ClinVar variation 2378575 (VCV002378575.5), dbSNP rs781625659, ClinGen allele CA6099793.

ClinVar aggregate classification (germline): Conflicting classifications of pathogenicity. Review status: criteria provided, conflicting classifications (1 of 4 stars). 3 submissions from 3 submitters: Uncertain significance (1); Likely benign (2). Last evaluated 2026-08-23.

Conditions:
SCYL1-related disorder. Also called: SCYL1-related condition.
Inborn genetic diseases. Identifiers: MedGen C0950123, MeSH D030342.

Allele frequency attached by ClinVar (database versions not stated): ExAC 0.00001; gnomAD 0.00002; TOPMed 0.00002.
gnomAD v4.1: 33 of 1,613,594 alleles (0.002%); highest among the groups gnomAD compares: Middle Eastern, 0.016%; no homozygotes.

Submissions (3):

PreventionGenetics, part of Exact Sciences
Classification: Likely benign for SCYL1-related condition. Last evaluated: 2026-08-23. Review status: criteria provided, single submitter. Criteria: ACMG Guidelines, 2015. Collection method: clinical testing. Allele origin: germline.
Comment: This variant is classified as likely benign based on ACMG/AMP sequence variant interpretation guidelines (Richards et al. 2015 PMID: 25741868, with internal and published modifications).

CeGaT Center for Human Genetics Tuebingen
Classification: Likely benign. Last evaluated: 2026-06-01. Review status: criteria provided, single submitter. Criteria: CeGaT Center For Human Genetics Tuebingen Variant Classification Criteria Version 2. Collection method: clinical testing. Allele origin: germline. Affected: yes. Observed: 1 variant allele.
Comment: SCYL1: BP4, BP7

Ambry Genetics
Classification: Uncertain significance for Inborn genetic diseases. Last evaluated: 2021-09-01. Review status: criteria provided, single submitter. Criteria: Ambry Variant Classification Scheme 2023. Collection method: clinical testing. Allele origin: germline.
Comment: Occurs in the last base pair of the exon Based on insufficient or conflicting evidence, the clinical significance of this alteration remains unclear.